The following is an entry in ClinVar:

NM_006059.4(LAMC3):c.820_822dup (p.Asn274dup)

Gene: LAMC3 (laminin subunit gamma 3; plus strand). Cytogenetic location: 9q34.12.
Variant type: Duplication.
Coding change: c.820_822dup on transcript NM_006059.4 (MANE Select); coding-DNA positions 820 to 822, 3 bases duplicated (AAC; older notation c.820_822dupAAC).
Protein change: p.Asn274dup; duplicates asparagine 274.
Molecular consequence: inframe insertion.
Genome position (GRCh38, 1-based): chr9:131,036,176-131,036,178, AAC duplicated; duplicating any 3 consecutive bases within chr9:131,036,175-131,036,178 gives the same sequence; the c. name uses the placement nearest the transcript's 3' end. VCF-style (leftmost placement, unchanged base first): chr9-131036174-G-GCAA. GRCh37 (hg19) VCF-style: chr9-133911561-G-GCAA.
Identifiers: ClinVar variation 1352873 (VCV001352873.8), dbSNP rs1484825895, ClinGen allele CA590945751.
Genomic context (GRCh38, chr9:131,036,174, plus strand): 5'-TCTGCCCTGCCGGCACCTGCGGGTCCCCTTCCTCCTCTGTGTCTTTTCCCAGGTGCAAGT[G>GCAA]CAACGGGCATGCCAGCGAGTGCGGCCCCGACGTGGCAGGCCAGTTGGCCTGCCGGTGCCA-3'

ClinVar aggregate classification (germline): Uncertain significance (1 of 4 stars; one submission).

Submission:

Labcorp Genetics (formerly Invitae), Labcorp
Classification: Uncertain significance. Last evaluated: 2021-05-10. Review status: criteria provided, single submitter. Criteria: Invitae Variant Classification Sherloc (09022015). Collection method: clinical testing. Allele origin: germline.
Comment: In summary, the available evidence is currently insufficient to determine the role of this variant in disease. Therefore, it has been classified as a Variant of Uncertain Significance. Experimental studies and prediction algorithms are not available or were not evaluated, and the functional significance of this variant is currently unknown. This variant has not been reported in the literature in individuals with LAMC3-related conditions. This variant is not present in population databases (ExAC no frequency). This variant, c.820_822dup, results in the insertion of 1 amino acid(s) to the LAMC3 protein (p.Asn274dup), but otherwise preserves the integrity of the reading frame.